The following is an entry in ClinVar:

NM_000492.4(CFTR):c.1680-1G>C

Gene: CFTR (CF transmembrane conductance regulator; plus strand). Cytogenetic location: 7q31.2.
Variant type: single nucleotide variant.
Coding change: c.1680-1G>C on transcript NM_000492.4 (MANE Select); the canonical splice acceptor site of the intron before coding-DNA position 1680, G replaced by C.
Molecular consequence: splice acceptor variant.
Genome position (GRCh38, 1-based): chr7:117,590,352, G>C. VCF-style: chr7-117590352-G-C. GRCh37 (hg19) VCF-style: chr7-117230406-G-C.
Identifiers: ClinVar variation 550047 (VCV000550047.10), dbSNP rs121908794, ClinGen allele CA368976984.
Genomic context (GRCh38, chr7:117,590,352, plus strand): 5'-TCTACACTAGATGACCAGGAAATAGAGAGGAAATGTAATTTAATTTCCATTTTCTTTTTA[G>C]AGCAGTATACAAAGATGCTGATTTGTATTTATTAGACTCTCCTTTTGGATACCTAGATGT-3'

ClinVar aggregate classification (germline): Pathogenic. Review status: criteria provided, multiple submitters, no conflicts (2 of 4 stars). 3 submissions from 3 submitters: Pathogenic (2). 1 of the submissions does not count toward it. Last evaluated 2023-04-03.

Conditions:
Cystic fibrosis (CF). Also called: MUCOVISCIDOSIS. Identifiers: Orphanet 586, MedGen C0010674, MONDO:0009061, OMIM 219700. Disease mechanism: loss of function.

Submissions (3):

Labcorp Genetics (formerly Invitae), Labcorp
Classification: Pathogenic for Cystic fibrosis. Last evaluated: 2023-04-03. Review status: criteria provided, single submitter. Criteria: Invitae Variant Classification Sherloc (09022015). Collection method: clinical testing. Allele origin: germline.
Comment: ClinVar contains an entry for this variant (Variation ID: 550047). Algorithms developed to predict the effect of sequence changes on RNA splicing suggest that this variant may disrupt the consensus splice site. For these reasons, this variant has been classified as Pathogenic. Disruption of this splice site has been observed in individuals with cystic fibrosis (PMID: 16786510, 27086061). This sequence change affects an acceptor splice site in intron 12 of the CFTR gene. It is expected to disrupt RNA splicing. Variants that disrupt the donor or acceptor splice site typically lead to a loss of protein function (PMID: 16199547), and loss-of-function variants in CFTR are known to be pathogenic (PMID: 1695717, 7691345, 9725922). This variant is not present in population databases (gnomAD no frequency).

Ambry Genetics
Classification: Pathogenic for Cystic fibrosis. Last evaluated: 2021-02-24. Review status: criteria provided, single submitter. Criteria: Ambry Variant Classification Scheme 2023. Collection method: clinical testing. Allele origin: germline.
Comment: The c.1680-1G>C intronic variant results from a G to C substitution one nucleotide upstream from coding exon 13 of the CFTR gene. Another alteration impacting the same acceptor site (c.1680-1G>A) has been detected in multiple individuals with cystic fibrosis (Sosnay PR, Nat. Genet. 2013 Oct; 45(10):1160-7; Schrijver I et al. J Mol Diagn, 2016 Jan;18:39-50). In silico splice site analysis predicts that this alteration will weaken the native splice acceptor site and will result in the creation or strengthening of a novel splice acceptor site. In addition to the clinical data presented in the literature, alterations that disrupt the canonical splice site are expected to cause aberrant splicing, resulting in an abnormal protein or a transcript that is subject to nonsense-mediated mRNA decay. As such, this alteration is classified a disease-causing mutation.

Counsyl
Classification: Likely pathogenic for Cystic fibrosis. Last evaluated: 2018-02-16. Review status: no assertion criteria provided. Collection method: clinical testing. Allele origin: unknown. Not counted in ClinVar's aggregate classification.

Literature cited by the submitters: PubMed 16786510 (cited by Labcorp Genetics (formerly Invitae), Labcorp); PubMed 27086061 (cited by Labcorp Genetics (formerly Invitae), Labcorp); PubMed 16199547 (cited by Labcorp Genetics (formerly Invitae), Labcorp); PubMed 1695717 (cited by Labcorp Genetics (formerly Invitae), Labcorp); PubMed 7691345 (cited by Labcorp Genetics (formerly Invitae), Labcorp); PubMed 9725922 (cited by Labcorp Genetics (formerly Invitae), Labcorp); PubMed 23974870 (cited by Ambry Genetics); PubMed 26708955 (cited by Ambry Genetics).